The following is an entry in ClinVar:

NC_000001.10:g.(?_76190473)_(76228448_?)dup

Gene: ACADM (acyl-CoA dehydrogenase medium chain; plus strand). Cytogenetic location: 1p31.1.
Variant type: Duplication.
Identifiers: ClinVar variation 2422131 (VCV002422131.3).

ClinVar aggregate classification (germline): Uncertain significance (1 of 4 stars; one submission).

Conditions:
Medium-chain acyl-coenzyme A dehydrogenase deficiency (ACADMD). Also called: MCADD; MCADH DEFICIENCY; Medium chain acyl-CoA dehydrogenase deficiency; ACADM DEFICIENCY; CARNITINE DEFICIENCY SECONDARY TO MEDIUM-CHAIN ACYL-CoA DEHYDROGENASE DEFICIENCY; MCAD Deficiency. Identifiers: Orphanet 42, MedGen C0220710, MONDO:0008721, OMIM 201450.

Submission:

Labcorp Genetics (formerly Invitae), Labcorp
Classification: Uncertain significance for Medium-chain acyl-coenzyme A dehydrogenase deficiency. Last evaluated: 2022-06-30. Review status: criteria provided, single submitter. Criteria: Invitae Variant Classification Sherloc (09022015). Collection method: clinical testing. Allele origin: germline.
Comment: A copy number gain of the genomic region encompassing the full coding sequence of the ACADM gene has been identified. The boundaries of this event are unknown as they extend beyond the assayed region for this gene and therefore may encompass additional genes. As the precise location of this event is unknown, it may be in tandem or it may be located elsewhere in the genome. This variant has not been reported in the literature in individuals affected with ACADM-related conditions. In summary, the available evidence is currently insufficient to determine the role of this variant in disease. Therefore, it has been classified as a Variant of Uncertain Significance.